The following is an entry in ClinVar:

ClinVar aggregate classification (germline): Uncertain significance (1 of 4 stars; one submission).

Submission:

Labcorp Genetics (formerly Invitae), Labcorp
Classification: Uncertain significance. Last evaluated: 2023-12-11. Review status: criteria provided, single submitter. Criteria: Invitae Variant Classification Sherloc (09022015). Collection method: clinical testing. Allele origin: germline.
Comment: This variant results in a copy number gain of the genomic region encompassing exon(s) 13-33 of the CCDC88A gene. This region includes the termination codon of the gene. This copy number gain extends beyond the assayed region for this gene and therefore may encompass additional genes. As the precise location of this event is unknown, it may be in tandem or it may be located elsewhere in the genome. This variant has not been reported in the literature in individuals affected with CCDC88A-related conditions. Experimental studies and prediction algorithms are not available or were not evaluated, and the functional significance of this variant is currently unknown. In summary, the available evidence is currently insufficient to determine the role of this variant in disease. Therefore, it has been classified as a Variant of Uncertain Significance.

NC_000002.11:g.(?_55459961)_(55566804_?)dup

Genes: CCDC88A (coiled-coil domain containing 88A; minus strand), MTIF2 (mitochondrial translational initiation factor 2; minus strand), RPS27A (ribosomal protein S27a; plus strand). Cytogenetic location: 2p16.1.
Variant type: Duplication.
Identifiers: ClinVar variation 2423800 (VCV002423800.4).